The following is an entry in ClinVar:

ClinVar aggregate classification (germline): Pathogenic (1 of 4 stars; one submission).

Conditions:
Intellectual developmental disorder, autosomal dominant 1. Also called: MBD5 Haploinsufficiency; Intellectual disability, autosomal dominant 1. Identifiers: Orphanet 228402, MedGen C1969562, MONDO:0007974, OMIM 156200.

Submission:

Labcorp Genetics (formerly Invitae), Labcorp
Classification: Pathogenic for Intellectual developmental disorder, autosomal dominant 1. Last evaluated: 2023-01-05. Review status: criteria provided, single submitter. Criteria: Invitae Variant Classification Sherloc (09022015). Collection method: clinical testing. Allele origin: germline.
Comment: For these reasons, this variant has been classified as Pathogenic. This variant has not been reported in the literature in individuals affected with MBD5-related conditions. This variant is not present in population databases (gnomAD no frequency). This sequence change creates a premature translational stop signal (p.Arg200Profs*8) in the MBD5 gene. It is expected to result in an absent or disrupted protein product. Loss-of-function variants in MBD5 are known to be pathogenic (PMID: 23422940, 23587880).

Literature cited by the submitters: PubMed 23422940; PubMed 23587880.

NM_001378120.1(MBD5):c.598dup (p.Arg200fs)

Gene: MBD5 (methyl-CpG binding domain protein 5; plus strand). Cytogenetic location: 2q23.1.
Variant type: Duplication.
Coding change: c.598dup on transcript NM_001378120.1 (MANE Select); coding-DNA position 598, one base duplicated (C; older notation c.598dupC).
Protein change: p.Arg200fs; shifts the reading frame from arginine 200.
Molecular consequence: frameshift variant.
Genome position (GRCh38, 1-based): chr2:148,468,541, C duplicated; the last of 5 consecutive C bases (chr2:148,468,537-148,468,541); duplicating any one gives the same sequence. VCF-style (leftmost placement, unchanged base first): chr2-148468536-A-AC. GRCh37 (hg19) VCF-style: chr2-149226105-A-AC.
Other names: c.598dup, p.Arg200fs (NM_018328.5); short protein forms R200fs.
Identifiers: ClinVar variation 2826418 (VCV002826418.3), dbSNP rs2469855647, ClinGen allele CA2739271276.